The following is an entry in ClinVar:

ClinVar aggregate classification (germline): Uncertain significance (1 of 4 stars; one submission).

Submission:

Labcorp Genetics (formerly Invitae), Labcorp
Classification: Uncertain significance. Last evaluated: 2025-03-31. Review status: criteria provided, single submitter. Criteria: Invitae Variant Classification Sherloc (09022015). Collection method: clinical testing. Allele origin: germline.
Comment: This sequence change replaces aspartic acid, which is acidic and polar, with glycine, which is neutral and non-polar, at codon 208 of the SLC16A1 protein (p.Asp208Gly). This variant is not present in population databases (gnomAD no frequency). This variant has not been reported in the literature in individuals affected with SLC16A1-related conditions. An algorithm developed to predict the effect of missense changes on protein structure and function outputs the following: PolyPhen-2: "Benign". The glycine amino acid residue is found in multiple mammalian species, which suggests that this missense change does not adversely affect protein function. Algorithms developed to predict the effect of sequence changes on RNA splicing suggest that this variant may create or strengthen a splice site. In summary, the available evidence is currently insufficient to determine the role of this variant in disease. Therefore, it has been classified as a Variant of Uncertain Significance.

NM_003051.4(SLC16A1):c.623A>G (p.Asp208Gly)

Gene: SLC16A1 (solute carrier family 16 member 1; minus strand). Cytogenetic location: 1p13.2.
Variant type: single nucleotide variant.
Coding change: c.623A>G on transcript NM_003051.4 (MANE Select); coding-DNA position 623, A replaced by G.
Protein change: p.Asp208Gly; replaces aspartic acid 208 with glycine.
Molecular consequence: missense variant.
Genome position (GRCh38, 1-based): chr1:112,917,783, T>C on the plus strand (A>G on the coding strand, the complement: SLC16A1 is on the minus strand). VCF-style: chr1-112917783-T-C. GRCh37 (hg19) VCF-style: chr1-113460405-T-C.
Other names: c.623A>G, p.Asp208Gly (NM_001166496.2); short protein forms D208G.
Identifiers: ClinVar variation 4775954 (VCV004775954.1).